The following is an entry in ClinVar:

NM_004260.4(RECQL4):c.2506A>G (p.Ser836Gly)

Gene: RECQL4 (RecQ like helicase 4; minus strand). Cytogenetic location: 8q24.3.
Variant type: single nucleotide variant.
Coding change: c.2506A>G on transcript NM_004260.4 (MANE Select); coding-DNA position 2506, A replaced by G.
Protein change: p.Ser836Gly; replaces serine 836 with glycine.
Molecular consequence: missense variant.
Genome position (GRCh38, 1-based): chr8:144,513,096, T>C on the plus strand (A>G on the coding strand, the complement: RECQL4 is on the minus strand). VCF-style: chr8-144513096-T-C. GRCh37 (hg19) VCF-style: chr8-145738479-T-C.
Other names: short protein forms S836G.
Identifiers: ClinVar variation 1050914 (VCV001050914.5), dbSNP rs776668549, ClinGen allele CA4948207.

ClinVar aggregate classification (germline): Uncertain significance (1 of 4 stars; one submission).

Conditions:
Baller-Gerold syndrome (BGS). Also called: CRANIOSYNOSTOSIS WITH RADIAL DEFECTS. Identifiers: Orphanet 1225, MedGen C0265308, MONDO:0009039, OMIM 218600.

Allele frequency attached by ClinVar (database versions not stated): gnomAD exomes 0.00001 and 0.00003; TOPMed 0.00001; ExAC 0.00004.
gnomAD v4.1: 18 of 1,573,492 alleles (0.0011%); highest among the groups gnomAD compares: Middle Eastern, 0.017%; no homozygotes.

Submission:

Labcorp Genetics (formerly Invitae), Labcorp
Classification: Uncertain significance for Baller-Gerold syndrome. Last evaluated: 2023-06-23. Review status: criteria provided, single submitter. Criteria: Invitae Variant Classification Sherloc (09022015). Collection method: clinical testing. Allele origin: germline.
Comment: In summary, the available evidence is currently insufficient to determine the role of this variant in disease. Therefore, it has been classified as a Variant of Uncertain Significance. Advanced modeling of protein sequence and biophysical properties (such as structural, functional, and spatial information, amino acid conservation, physicochemical variation, residue mobility, and thermodynamic stability) performed at Invitae indicates that this missense variant is not expected to disrupt RECQL4 protein function. ClinVar contains an entry for this variant (Variation ID: 1050914). This variant has not been reported in the literature in individuals affected with RECQL4-related conditions. This variant is present in population databases (rs776668549, gnomAD 0.02%). This sequence change replaces serine, which is neutral and polar, with glycine, which is neutral and non-polar, at codon 836 of the RECQL4 protein (p.Ser836Gly).